The following is an entry in ClinVar:

NM_000089.4(COL1A2):c.179G>A (p.Gly60Asp)

Gene: COL1A2 (collagen type I alpha 2 chain; plus strand). Cytogenetic location: 7q21.3.
Variant type: single nucleotide variant.
Coding change: c.179G>A on transcript NM_000089.4 (MANE Select); coding-DNA position 179, G replaced by A.
Protein change: p.Gly60Asp; replaces glycine 60 with aspartic acid.
Molecular consequence: missense variant.
Genome position (GRCh38, 1-based): chr7:94,400,242, G>A. VCF-style: chr7-94400242-G-A. GRCh37 (hg19) VCF-style: chr7-94029554-G-A.
Other names: short protein forms G60D.
Identifiers: ClinVar variation 2627392 (VCV002627392.1), dbSNP rs2484693671, ClinGen allele CA368219191.

ClinVar aggregate classification (germline): Uncertain significance (1 of 4 stars; one submission).

Conditions:
Ehlers-Danlos syndrome, cardiac valvular type. Identifiers: Orphanet 230851, MedGen C4303789, MONDO:0009159, OMIM 225320.

Submission:

Neuberg Centre For Genomic Medicine, NCGM
Classification: Uncertain significance for Ehlers-Danlos syndrome, cardiac valvular type. Review status: criteria provided, single submitter. Criteria: ACMG Guidelines, 2015. Collection method: clinical testing. Allele origin: germline. Inheritance: Autosomal recessive inheritance. Affected: yes.
Comment: The missense variant p.G60D in COL1A2 (NM_000089.4) has not been reported previously as a pathogenic variant nor as a benign variant, to our knowledge. The p.G60D variant is novel (not in any individuals) in gnomAD Exomes and is novel (not in any individuals) in 1000 Genomes. The gene COL1A2 contains 184 pathogenic missense variants, indicating that missense variants are a common mechanism of disease in this gene. The p.G60D missense variant is predicted to be damaging by both SIFT and PolyPhen2. The glycine residue at codon 60 of COL1A2 is conserved in all mammalian species. The nucleotide c.179 in COL1A2 is predicted conserved by GERP++ and PhyloP across 100 vertebrates. For these reasons, this variant has been classified as Uncertain Significance.